The following is an entry in ClinVar:

NM_000392.5(ABCC2):c.909_921del (p.Lys303fs)

Gene: ABCC2 (ATP binding cassette subfamily C member 2; plus strand). Cytogenetic location: 10q24.2.
Variant type: Deletion.
Coding change: c.909_921del on transcript NM_000392.5 (MANE Select); coding-DNA positions 909 to 921, 13 bases deleted (AGATGTTCCAAAA).
Protein change: p.Lys303fs; shifts the reading frame from lysine 303.
Molecular consequence: frameshift variant.
Genome position (GRCh38, 1-based): chr10:99,799,248-99,799,260, AGATGTTCCAAAA deleted; deleting any 13 consecutive bases within chr10:99,799,244-99,799,260 gives the same sequence; the c. name uses the placement nearest the transcript's 3' end. VCF-style (leftmost placement, unchanged base first): chr10-99799243-AAAAAAGATGTTCC-A. GRCh37 (hg19) VCF-style: chr10-101559000-AAAAAAGATGTTCC-A.
Other names: short protein forms K303fs.
Identifiers: ClinVar variation 2724936 (VCV002724936.3), dbSNP rs765779011, ClinGen allele CA5643029.

ClinVar aggregate classification (germline): Pathogenic (1 of 4 stars; one submission).

Submission:

Labcorp Genetics (formerly Invitae), Labcorp
Classification: Pathogenic. Last evaluated: 2023-11-20. Review status: criteria provided, single submitter. Criteria: Invitae Variant Classification Sherloc (09022015). Collection method: clinical testing. Allele origin: germline.
Comment: This sequence change creates a premature translational stop signal (p.Lys303Asnfs*4) in the ABCC2 gene. It is expected to result in an absent or disrupted protein product. Loss-of-function variants in ABCC2 are known to be pathogenic (PMID: 9185779, 16549534, 16952291). This variant is not present in population databases (gnomAD no frequency). This variant has not been reported in the literature in individuals affected with ABCC2-related conditions. For these reasons, this variant has been classified as Pathogenic.

Literature cited by the submitters: PubMed 9185779; PubMed 16549534; PubMed 16952291.